The following is an entry in ClinVar:

ClinVar aggregate classification (germline): Uncertain significance (1 of 4 stars; one submission).

Conditions:
Hereditary cancer-predisposing syndrome. Also called: Neoplastic Syndromes, Hereditary; Tumor predisposition; Hereditary Cancer Syndrome; Hereditary neoplastic syndrome. Identifiers: Orphanet 140162, MedGen C0027672, MeSH D009386, MONDO:0015356.

Submission:

Ambry Genetics
Classification: Uncertain significance for Hereditary cancer-predisposing syndrome. Last evaluated: 2021-07-24. Review status: criteria provided, single submitter. Criteria: Ambry Variant Classification Scheme 2023. Collection method: clinical testing. Allele origin: germline.
Comment: The p.S672R variant (also known as c.2016C>G), located in coding exon 18 of the MRE11A gene, results from a C to G substitution at nucleotide position 2016. The serine at codon 672 is replaced by arginine, an amino acid with dissimilar properties. This amino acid position is conserved. In addition, this alteration is predicted to be tolerated by in silico analysis. Since supporting evidence is limited at this time, the clinical significance of this alteration remains unclear.

NM_005591.4(MRE11):c.2016C>G (p.Ser672Arg)

Gene: MRE11 (MRE11 double strand break repair nuclease; minus strand). Cytogenetic location: 11q21.
Variant type: single nucleotide variant.
Coding change: c.2016C>G on transcript NM_005591.4 (MANE Select); coding-DNA position 2016, C replaced by G.
Protein change: p.Ser672Arg; replaces serine 672 with arginine.
Molecular consequence: missense variant.
Genome position (GRCh38, 1-based): chr11:94,429,965, G>C on the plus strand (C>G on the coding strand, the complement: MRE11 is on the minus strand). VCF-style: chr11-94429965-G-C. GRCh37 (hg19) VCF-style: chr11-94163131-G-C.
Other names: c.2013C>G, p.Ser671Arg (NM_001330347.2); c.1932C>G, p.Ser644Arg (NM_005590.4); short protein forms S644R, S671R, S672R.
Identifiers: ClinVar variation 1799708 (VCV001799708.2), dbSNP rs2496166235, ClinGen allele CA382373544.